The following is an entry in ClinVar:

NM_005751.5(AKAP9):c.11467T>C (p.Tyr3823His)

Gene: AKAP9 (A-kinase anchoring protein 9; plus strand). Cytogenetic location: 7q21.2.
Variant type: single nucleotide variant.
Coding change: c.11467T>C on transcript NM_005751.5 (MANE Select); coding-DNA position 11467, T replaced by C.
Protein change: p.Tyr3823His; replaces tyrosine 3823 with histidine.
Molecular consequence: missense variant.
Genome position (GRCh38, 1-based): chr7:92,107,343, T>C. VCF-style: chr7-92107343-T-C. GRCh37 (hg19) VCF-style: chr7-91736657-T-C.
Other names: c.6112T>C, p.Tyr2038His (NM_001379277.1); c.11443T>C, p.Tyr3815His (NM_147185.3); short protein forms Y2038H, Y3815H, Y3823H.
Identifiers: ClinVar variation 1732490 (VCV001732490.5), dbSNP rs767126052, ClinGen allele CA4338203.

ClinVar aggregate classification (germline): Uncertain significance. Review status: criteria provided, multiple submitters, no conflicts (2 of 4 stars). 2 submissions from 2 submitters: Uncertain significance (2). Last evaluated 2025-04-09.

Conditions:
Long QT syndrome (LQTS). Identifiers: MedGen C0023976, MeSH D008133, MONDO:0002442. Disease mechanism: loss of function. Inheritance: Various modes of inheritance.
Cardiovascular phenotype. Identifiers: MedGen CN230736.

Allele frequency attached by ClinVar (database versions not stated): ExAC 0.00002; gnomAD exomes 0.00002.
gnomAD v4.1: 9 of 1,613,946 alleles (0.00056%); highest among the groups gnomAD compares: East Asian, 0.0045%; 1 homozygote.

Submissions (2):

Ambry Genetics
Classification: Uncertain significance for Cardiovascular phenotype. Last evaluated: 2025-04-09. Review status: criteria provided, single submitter. Criteria: Ambry Variant Classification Scheme 2023. Collection method: clinical testing. Allele origin: germline.

Labcorp Genetics (formerly Invitae), Labcorp
Classification: Uncertain significance for Long QT syndrome. Last evaluated: 2024-03-21. Review status: criteria provided, single submitter. Criteria: Invitae Variant Classification Sherloc (09022015). Collection method: clinical testing. Allele origin: germline.
Comment: This sequence change replaces tyrosine, which is neutral and polar, with histidine, which is basic and polar, at codon 3823 of the AKAP9 protein (p.Tyr3823His). This variant is present in population databases (rs767126052, gnomAD 0.006%). This variant has not been reported in the literature in individuals affected with AKAP9-related conditions. ClinVar contains an entry for this variant (Variation ID: 1732490). An algorithm developed to predict the effect of missense changes on protein structure and function (PolyPhen-2) suggests that this variant is likely to be disruptive. In summary, the available evidence is currently insufficient to determine the role of this variant in disease. Therefore, it has been classified as a Variant of Uncertain Significance.